The following is an entry in ClinVar:

Single allele

Genes: B3GALT2 (beta-1,3-galactosyltransferase 2; minus strand), CDC73 (cell division cycle 73; plus strand), GLRX2 (glutaredoxin 2; minus strand), LINC01031 (long intergenic non-protein coding RNA 1031; plus strand), LINC02770 (long intergenic non-protein coding RNA 2770; plus strand) and 50 more. Cytogenetic location: 1q31.2-31.3.
Variant type: Deletion.
Identifiers: ClinVar variation 560081 (VCV000560081.3).

ClinVar aggregate classification (germline): Pathogenic (1 of 4 stars; one submission).

Conditions:
Hyperparathyroidism 1 (HRPT1). Also called: HYPERPARATHYROIDISM, FAMILIAL ISOLATED PRIMARY. Identifiers: Orphanet 99879, MedGen C1840402, MONDO:0007767, OMIM 145000.
Parathyroid carcinoma (PRTC). Also called: CDC73-Related Parathyroid Carcinoma; Parathyroid gland carcinoma. Identifiers: Orphanet 143, MedGen C0687150, MONDO:0012004, OMIM 608266, HP:0006780.
Hyperparathyroidism 2 with jaw tumors. Also called: Hyperparathyroidism 2; Hyperparathyroidism-Jaw Tumor Syndrome; HYPERPARATHYROIDISM, FAMILIAL PRIMARY, WITH MULTIPLE OSSIFYING JAW FIBROMAS; HYPERPARATHYROIDISM-JAW TUMOR SYNDROME, HEREDITARY. Identifiers: Orphanet 99880, MedGen C1704981, MONDO:0007768, OMIM 145001.

Submission:

Geisinger Autism and Developmental Medicine Institute, Geisinger Health System
Classification: Pathogenic for Hyperparathyroidism 1; Hyperparathyroidism 2 with jaw tumors; Parathyroid carcinoma. Last evaluated: 2017-04-25. Review status: criteria provided, single submitter. Criteria: ACMG CNV Guidelines, 2011. Collection method: provider interpretation. Allele origin: unknown.
Comment: The patient's biological parents are unavailable for parental studies.

Literature cited by the submitters: PubMed 28774260.